The following is an entry in ClinVar:

NM_000368.5(TSC1):c.2739_2746dup (p.Leu916fs)

Gene: TSC1 (TSC complex subunit 1; minus strand). Cytogenetic location: 9q34.13.
Variant type: Duplication.
Coding change: c.2739_2746dup on transcript NM_000368.5 (MANE Select); coding-DNA positions 2739 to 2746, 8 bases duplicated (ATCTCACC; older notation c.2739_2746dupATCTCACC).
Protein change: p.Leu916fs; shifts the reading frame from leucine 916.
Molecular consequence: frameshift variant. On other transcripts: non-coding transcript variant (5).
Genome position (GRCh38, 1-based): chr9:132,897,490-132,897,497, GGTGAGAT duplicated on the plus strand (ATCTCACC on the coding strand, the reverse complement: TSC1 is on the minus strand). VCF-style (leftmost placement, unchanged base first): chr9-132897489-A-AGGTGAGAT. GRCh37 (hg19) VCF-style: chr9-135772876-A-AGGTGAGAT.
Other names: c.2736_2743dup, p.Leu915fs (NM_001162426.2, NM_001406597.1, NM_001406598.1 and 2 more transcripts); c.2586_2593dup, p.Leu865fs (NM_001162427.2, NM_001406610.1); c.2376_2383dup, p.Leu795fs (NM_001362177.2, NM_001406614.1, NM_001406615.1 and 4 more transcripts); c.2739_2746dup, p.Leu916fs (NM_001406592.1, NM_001406593.1, NM_001406594.1 and 2 more transcripts); c.2724_2731dup, p.Leu911fs (NM_001406601.1, NM_001406602.1); c.2721_2728dup, p.Leu910fs (NM_001406603.1, NM_001406604.1); c.2697_2704dup, p.Leu902fs (NM_001406605.1, NM_001406606.1, NM_001406607.1); c.2694_2701dup, p.Leu901fs (NM_001406608.1, NM_001406609.1); and 8 more; short protein forms L795fs, L850fs, L864fs, L599fs, L794fs, L901fs, L910fs, L915fs.
Identifiers: ClinVar variation 3572059 (VCV003572059.1).
Genomic context (GRCh38, chr9:132,897,489, plus strand): 5'-TGGAGTTTGACATCCTCTAGATATTTCTTCTGTTCCAAAAGAAGGTGGTCTTTCTTGGCC[A>AGGTGAGAT]GGTGAGATTCCAGTTCCAAAATCCGTTTTTGGGAGGTATCAAGCCTCTGAGTCTGCTGGA-3'

ClinVar aggregate classification (germline): Pathogenic (1 of 4 stars; one submission).

Submission:

Quest Diagnostics Nichols Institute San Juan Capistrano
Classification: Pathogenic. Last evaluated: 2024-01-19. Review status: criteria provided, single submitter. Criteria: Quest Diagnostics criteria. Collection method: clinical testing. Allele origin: unknown.
Comment: The TSC1 c.2739_2746dup (p.Leu916Hisfs*18) variant alters the translational reading frame of the TSC1 mRNA and causes the premature termination of TSC1 protein synthesis. This variant has not been reported in individuals with TSC1-related conditions in the published literature. This variant has not been reported in large, multi-ethnic general populations (Genome Aggregation Database). Based on the available information, this variant is classified as pathogenic.